The following is an entry in ClinVar:

ClinVar aggregate classification (germline): Uncertain significance (1 of 4 stars; one submission).

Allele frequency attached by ClinVar (database versions not stated): gnomAD exomes below 0.00001; gnomAD 0.00001.

Submission:

Labcorp Genetics (formerly Invitae), Labcorp
Classification: Uncertain significance. Last evaluated: 2022-06-05. Review status: criteria provided, single submitter. Criteria: Invitae Variant Classification Sherloc (09022015). Collection method: clinical testing. Allele origin: germline.
Comment: In summary, the available evidence is currently insufficient to determine the role of this variant in disease. Therefore, it has been classified as a Variant of Uncertain Significance. Algorithms developed to predict the effect of missense changes on protein structure and function (SIFT, PolyPhen-2, Align-GVGD) all suggest that this variant is likely to be tolerated. ClinVar contains an entry for this variant (Variation ID: 1506185). This variant has not been reported in the literature in individuals affected with EMC1-related conditions. This variant is present in population databases (no rsID available, gnomAD 0.002%). This sequence change replaces glutamic acid, which is acidic and polar, with glutamine, which is neutral and polar, at codon 677 of the EMC1 protein (p.Glu677Gln).

NM_015047.3(EMC1):c.2029G>C (p.Glu677Gln)

Genes: EMC1 (ER membrane protein complex subunit 1; minus strand), EMC1-AS1 (EMC1 antisense RNA 1; plus strand). Cytogenetic location: 1p36.13.
Variant type: single nucleotide variant.
Coding change: c.2029G>C on transcript NM_015047.3 (MANE Select); coding-DNA position 2029, G replaced by C.
Protein change: p.Glu677Gln; replaces glutamic acid 677 with glutamine.
Molecular consequence: missense variant.
Genome position (GRCh38, 1-based): chr1:19,230,879, C>G on the plus strand (G>C on the coding strand, the complement: EMC1 is on the minus strand). VCF-style: chr1-19230879-C-G. GRCh37 (hg19) VCF-style: chr1-19557373-C-G.
Other names: c.2026G>C, p.Glu676Gln (NM_001271427.2, NM_001271428.2); c.1963G>C, p.Glu655Gln (NM_001271429.2); c.2038G>C, p.Glu680Gln (NM_001375820.1); c.2035G>C, p.Glu679Gln (NM_001375821.1); short protein forms E655Q, E676Q, E677Q, E679Q, E680Q.
Identifiers: ClinVar variation 1506185 (VCV001506185.6), dbSNP rs1238610671, ClinGen allele CA338758440.